The following is an entry in ClinVar:

NC_000008.10:g.(?_42995606)_(43057999_?)dup

Gene: HGSNAT (heparan-alpha-glucosaminide N-acetyltransferase; plus strand). Cytogenetic location: 8p11.21.
Variant type: Duplication.
Identifiers: ClinVar variation 3068822 (VCV003068822.1).

ClinVar aggregate classification (germline): Uncertain significance (1 of 4 stars; one submission).

Submission:

Women's Health and Genetics/Laboratory Corporation of America, LabCorp
Classification: Uncertain significance. Last evaluated: 2024-02-01. Review status: criteria provided, single submitter. Criteria: LabCorp Variant Classification Summary - May 2015. Collection method: clinical testing. Allele origin: germline.
Comment: Variant summary: The variant involves the duplication of exons 1-18 in the HGSNAT gene. A presumed nomenclature of c.(?_-34)_(*3287_?)dup has been designated for the purposes of this classification. This duplication includes the entire coding sequence of the gene. As exact breakpoints are unknown, it may extend beyond the annotated region of the gene, to include other flanking genes. A large duplication (Size: 274,704, Position: hg38 chr8:43082366-43357070) which covers the HGSNAT gene (together with the full duplication of the upstream flanking gene POMK) was found at a frequency of 0.001 in 441875 control chromosomes in the gnomAD database (CNVs v4.0 dataset; zygosities not specified in this dataset). This frequency is close to the estimated maximum expected for a pathogenic variant in HGSNAT causing Retinitis Pigmentosa 73 (0.0011), suggesting that this CNV is likely not associated with this phenotype. This frequency makes this variant also unlikely to be associated with dominant early onset, high penetrance, severe phenotypes. To our knowledge, no occurrence of c.(?_-34)_(*3287_?)dup in individuals affected with Retinitis Pigmentosa 73 and no experimental evidence demonstrating its impact on protein function have been reported. ClinVar contains an entry for this variant (Variation ID: 1440348). Based on the evidence outlined above, the variant was classified as uncertain significance.